The following is an entry in ClinVar:

ClinVar aggregate classification (germline): Uncertain significance (1 of 4 stars; one submission).

Conditions:
Epilepsy, familial adult myoclonic, 5 (EPEO5). Also called: CORTICAL MYOCLONIC TREMOR WITH EPILEPSY, FAMILIAL, 5. Identifiers: Orphanet 86814, MedGen C3809374, MONDO:0014167, OMIM 615400.

Submission:

Labcorp Genetics (formerly Invitae), Labcorp
Classification: Uncertain significance for Epilepsy, familial adult myoclonic, 5. Last evaluated: 2024-11-05. Review status: criteria provided, single submitter. Criteria: Invitae Variant Classification Sherloc (09022015). Collection method: clinical testing. Allele origin: germline.
Comment: This sequence change replaces isoleucine, which is neutral and non-polar, with threonine, which is neutral and polar, at codon 638 of the CNTN2 protein (p.Ile638Thr). This variant is not present in population databases (gnomAD no frequency). This variant has not been reported in the literature in individuals affected with CNTN2-related conditions. ClinVar contains an entry for this variant (Variation ID: 1356488). Invitae Evidence Modeling of protein sequence and biophysical properties (such as structural, functional, and spatial information, amino acid conservation, physicochemical variation, residue mobility, and thermodynamic stability) indicates that this missense variant is not expected to disrupt CNTN2 protein function with a negative predictive value of 95%. In summary, the available evidence is currently insufficient to determine the role of this variant in disease. Therefore, it has been classified as a Variant of Uncertain Significance.

NM_005076.5(CNTN2):c.1913T>C (p.Ile638Thr)

Gene: CNTN2 (contactin 2; plus strand). Cytogenetic location: 1q32.1.
Variant type: single nucleotide variant.
Coding change: c.1913T>C on transcript NM_005076.5 (MANE Select); coding-DNA position 1913, T replaced by C.
Protein change: p.Ile638Thr; replaces isoleucine 638 with threonine.
Molecular consequence: missense variant. On other transcripts: non-coding transcript variant (1).
Genome position (GRCh38, 1-based): chr1:205,066,537, T>C. VCF-style: chr1-205066537-T-C. GRCh37 (hg19) VCF-style: chr1-205035665-T-C.
Other names: c.1913T>C, p.Ile638Thr (NM_001346083.2); short protein forms I638T.
Identifiers: ClinVar variation 1356488 (VCV001356488.8), dbSNP rs2151196049, ClinGen allele CA344376369.